The following is an entry in ClinVar:

ClinVar aggregate classification (germline): Uncertain significance. Review status: criteria provided, single submitter (1 of 4 stars). 2 submissions from 2 submitters: Uncertain significance (1). 1 of the submissions does not count toward it. Last evaluated 2023-07-25.

Conditions:
NK-cell enteropathy. Also called: Natural killer cell enteropathy. Identifiers: Orphanet 263665, MedGen C4509932, MONDO:0016996.

gnomAD v4.1: 1 of 1,614,030 alleles (0.000062%); highest among the groups gnomAD compares: Non-Finnish European, 0.000085%; no homozygotes.

Submissions (2):

GeneDx
Classification: Uncertain significance. Last evaluated: 2023-07-25. Review status: criteria provided, single submitter. Criteria: GeneDx Variant Classification Process June 2021. Collection method: clinical testing. Allele origin: germline. Affected: yes.
Comment: Not observed at significant frequency in large population cohorts (gnomAD); In silico analysis supports that this missense variant does not alter protein structure/function; Has not been previously published as pathogenic or benign to our knowledge

Xiao lab, Department of Pathology, Memorial Sloan Kettering Cancer Center
Classification: Likely pathogenic for Natural killer cell enteropathy. Last evaluated: 2019-07-31. Review status: no assertion criteria provided. Collection method: clinical testing. Allele origin: somatic. Affected: yes. Not counted in ClinVar's aggregate classification.

NM_001080517.3(SETD5):c.2837C>T (p.Pro946Leu)

Gene: SETD5 (SET domain containing 5; plus strand). Cytogenetic location: 3p25.3.
Variant type: single nucleotide variant.
Coding change: c.2837C>T on transcript NM_001080517.3 (MANE Select); coding-DNA position 2837, C replaced by T.
Protein change: p.Pro946Leu; replaces proline 946 with leucine.
Molecular consequence: missense variant.
Genome position (GRCh38, 1-based): chr3:9,470,571, C>T. VCF-style: chr3-9470571-C-T. GRCh37 (hg19) VCF-style: chr3-9512255-C-T.
Other names: c.2543C>T, p.Pro848Leu (NM_001292043.2, NM_001349451.2); c.2837C>T (NM_001080517.1); short protein forms P946L, P848L.
Identifiers: ClinVar variation 638631 (VCV000638631.2), dbSNP rs936256673, ClinGen allele CA351680328.